The following is an entry in ClinVar:

ClinVar aggregate classification (germline): Uncertain significance (1 of 4 stars; one submission).

Conditions:
Tay-Sachs disease (TSD). Also called: HEXA DEFICIENCY; GM2 gangliosidosis, type 1; HEXA Disorders; Hexosaminidase alpha-subunit deficiency (variant B); Sphingolipidosis, Tay-Sachs; Hexosaminidase A Deficiency. Identifiers: Orphanet 845, MedGen C0039373, MONDO:0010100, OMIM 272800.

Submission:

Labcorp Genetics (formerly Invitae), Labcorp
Classification: Uncertain significance for Tay-Sachs disease. Last evaluated: 2022-06-20. Review status: criteria provided, single submitter. Criteria: Invitae Variant Classification Sherloc (09022015). Collection method: clinical testing. Allele origin: germline.
Comment: In summary, the available evidence is currently insufficient to determine the role of this variant in disease. Therefore, it has been classified as a Variant of Uncertain Significance. Experimental studies and prediction algorithms are not available or were not evaluated, and the functional significance of this variant is currently unknown. This variant has not been reported in the literature in individuals affected with HEXA-related conditions. Information on the frequency of this variant in the gnomAD database is not available, as this variant may be reported differently in the database. This sequence change replaces glutamic acid, which is acidic and polar, with glutamine, which is neutral and polar, at codon 140 of the HEXA protein (p.Glu140Gln).

NM_000520.6(HEXA):c.417_418delinsTC (p.Glu140Gln)

Gene: HEXA (hexosaminidase subunit alpha; minus strand). Cytogenetic location: 15q23.
Variant type: Indel.
Coding change: c.417_418delinsTC on transcript NM_000520.6 (MANE Select); coding-DNA positions 417 to 418, GG replaced by TC.
Protein change: p.Glu140Gln; replaces glutamic acid 140 with glutamine.
Molecular consequence: missense variant. On other transcripts: non-coding transcript variant (1).
Genome position (GRCh38, 1-based): chr15:72,353,732-72,353,733, CC replaced by GA on the plus strand (GG replaced by TC on the coding strand, the reverse complement: HEXA is on the minus strand). VCF-style: chr15-72353732-CC-GA. GRCh37 (hg19) VCF-style: chr15-72646073-CC-GA.
Other names: c.450_451delinsTC, p.Glu151Gln (NM_001318825.2); short protein forms E140Q, E151Q.
Identifiers: ClinVar variation 2120467 (VCV002120467.4), dbSNP rs2542534180, ClinGen allele CA2580089975.